The following is an entry in ClinVar:

ClinVar aggregate classification (germline): Likely pathogenic (1 of 4 stars; one submission).

Conditions:
ITGA7-related disorder. Also called: ITGA7-related condition.

Submission:

PreventionGenetics, part of Exact Sciences
Classification: Likely pathogenic for ITGA7-related condition. Last evaluated: 2026-06-16. Review status: criteria provided, single submitter. Criteria: ACMG Guidelines, 2015. Collection method: clinical testing. Allele origin: germline.
Comment: The ITGA7 c.1727delT variant is predicted to result in a frameshift and premature protein termination (p.Phe576Serfs*15). To our knowledge, this variant has not been reported in the literature or in a large population database (gnomAD), indicating this variant is rare. Frameshift variants in ITGA7 are expected to be pathogenic. This variant is interpreted as likely pathogenic.

NM_002206.3(ITGA7):c.1727del (p.Phe576fs)

Gene: ITGA7 (integrin subunit alpha 7; minus strand). Cytogenetic location: 12q13.2.
Variant type: Deletion.
Coding change: c.1727del on transcript NM_002206.3 (MANE Select); coding-DNA position 1727, one base deleted (T; older notation c.1727delT).
Protein change: p.Phe576fs; shifts the reading frame from phenylalanine 576.
Molecular consequence: frameshift variant.
Genome position (GRCh38, 1-based): chr12:55,696,909, A deleted on the plus strand (T on the coding strand, the reverse complement: ITGA7 is on the minus strand); the first of 2 consecutive A bases (chr12:55,696,909-55,696,910); deleting either gives the same sequence. VCF-style (leftmost placement, unchanged base first): chr12-55696908-GA-G. GRCh37 (hg19) VCF-style: chr12-56090692-GA-G.
Other names: c.1739del, p.Phe580fs (NM_001144996.2); c.1448del, p.Phe483fs (NM_001144997.2); c.1400del, p.Phe467fs (NM_001367993.1); c.383del, p.Phe128fs (NM_001367994.1); c.1709del, p.Phe570fs (NM_001374465.1); c.1859del, p.Phe620fs (NM_001410977.1); c.1721del, p.Phe574fs (NM_001414029.1); c.1652del, p.Phe551fs (NM_001414030.1); and 5 more; short protein forms F536fs, F570fs, F576fs, F463fs, F467fs, F483fs, F574fs, F620fs.
Identifiers: ClinVar variation 4994762 (VCV004994762.1).